The following is an entry in ClinVar:

ClinVar aggregate classification (germline): Uncertain significance (1 of 4 stars; one submission).

Allele frequency attached by ClinVar (database versions not stated): gnomAD exomes below 0.00001.
gnomAD v4.1: 2 of 1,614,200 alleles (0.00012%); highest among the groups gnomAD compares: Non-Finnish European, 0.00017%; no homozygotes.

Submission:

GeneDx
Classification: Uncertain significance. Last evaluated: 2019-04-24. Review status: criteria provided, single submitter. Criteria: GeneDx Variant Classification Process June 2021. Collection method: clinical testing. Allele origin: germline. Affected: yes.
Comment: Not observed in large population cohorts (Lek et al., 2016); In silico analysis, which includes protein predictors and evolutionary conservation, supports a deleterious effect; Has not been previously published as pathogenic or benign to our knowledge; This variant is associated with the following publications: (PMID: 16498413, 19339884, 17431422)

NM_000243.3(MEFV):c.2140C>T (p.Pro714Ser)

Genes: MEFV (MEFV innate immunity regulator, pyrin; minus strand), LOC126862264 (CDK7 strongly-dependent group 2 enhancer GRCh37_chr16:3293322-3294521; plus strand). Cytogenetic location: 16p13.3.
Variant type: single nucleotide variant.
Coding change: c.2140C>T on transcript NM_000243.3 (MANE Select); coding-DNA position 2140, C replaced by T.
Protein change: p.Pro714Ser; replaces proline 714 with serine.
Molecular consequence: missense variant. On other transcripts: 3 prime UTR variant (1).
Genome position (GRCh38, 1-based): chr16:3,243,347, G>A on the plus strand (C>T on the coding strand, the complement: MEFV is on the minus strand). VCF-style: chr16-3243347-G-A. GRCh37 (hg19) VCF-style: chr16-3293347-G-A.
Other names: c.*344C>T (NM_001198536.2); short protein forms P714S.
Identifiers: ClinVar variation 1321008 (VCV001321008.2), dbSNP rs1958887093, ClinGen allele CA394485750.